The following is an entry in ClinVar:

NM_018975.4(TERF2IP):c.533A>C (p.Gln178Pro)

Gene: TERF2IP (TERF2 interacting protein; plus strand). Cytogenetic location: 16q23.1.
Variant type: single nucleotide variant.
Coding change: c.533A>C on transcript NM_018975.4 (MANE Select); coding-DNA position 533, A replaced by C.
Protein change: p.Gln178Pro; replaces glutamine 178 with proline.
Molecular consequence: missense variant. On other transcripts: non-coding transcript variant (1).
Genome position (GRCh38, 1-based): chr16:75,648,415, A>C. VCF-style: chr16-75648415-A-C. GRCh37 (hg19) VCF-style: chr16-75682313-A-C.
Other names: short protein forms Q178P.
Identifiers: ClinVar variation 3325466 (VCV003325466.1).

ClinVar aggregate classification (germline): Uncertain significance (1 of 4 stars; one submission).

Submission:

Ambry Genetics
Classification: Uncertain significance. Last evaluated: 2024-05-25. Review status: criteria provided, single submitter. Criteria: Ambry Variant Classification Scheme 2023. Collection method: clinical testing. Allele origin: germline.
Comment: The p.Q178P variant (also known as c.533A>C), located in coding exon 1 of the TERF2IP gene, results from an A to C substitution at nucleotide position 533. The glutamine at codon 178 is replaced by proline, an amino acid with similar properties. This amino acid position is conserved. In addition, this alteration is predicted to be deleterious by in silico analysis. Based on the available evidence, the clinical significance of this variant remains unclear.